The following is an entry in ClinVar:

ClinVar aggregate classification (germline): Uncertain significance. Review status: criteria provided, multiple submitters, no conflicts (2 of 4 stars). 2 submissions from 2 submitters: Uncertain significance (2). Last evaluated 2025-03-25.

Allele frequency attached by ClinVar (database versions not stated): gnomAD exomes 0.00003 and 0.00006; gnomAD 0.00006 and 0.00007; TOPMed 0.00006; ExAC 0.00007.
gnomAD v4.1: 57 of 1,613,896 alleles (0.0035%); highest among the groups gnomAD compares: African/African-American, 0.008%; no homozygotes.

Submissions (2):

Labcorp Genetics (formerly Invitae), Labcorp
Classification: Uncertain significance. Last evaluated: 2025-03-25. Review status: criteria provided, single submitter. Criteria: Invitae Variant Classification Sherloc (09022015). Collection method: clinical testing. Allele origin: germline.
Comment: This sequence change replaces alanine, which is neutral and non-polar, with valine, which is neutral and non-polar, at codon 965 of the ERCC6 protein (p.Ala965Val). This variant is present in population databases (rs754058694, gnomAD 0.01%). This variant has not been reported in the literature in individuals affected with ERCC6-related conditions. ClinVar contains an entry for this variant (Variation ID: 1012778). Invitae Evidence Modeling of protein sequence and biophysical properties (such as structural, functional, and spatial information, amino acid conservation, physicochemical variation, residue mobility, and thermodynamic stability) indicates that this missense variant is not expected to disrupt ERCC6 protein function with a negative predictive value of 80%. In summary, the available evidence is currently insufficient to determine the role of this variant in disease. Therefore, it has been classified as a Variant of Uncertain Significance.

CeGaT Center for Human Genetics Tuebingen
Classification: Uncertain significance. Last evaluated: 2020-11-01. Review status: criteria provided, single submitter. Criteria: CeGaT Center For Human Genetics Tuebingen Variant Classification Criteria Version 2. Collection method: clinical testing. Allele origin: germline. Affected: yes. Observed: 1 variant allele.

NM_000124.4(ERCC6):c.2894C>T (p.Ala965Val)

Genes: ERCC6 (ERCC excision repair 6, chromatin remodeling factor; minus strand), LOC126860933 (BRD4-independent group 4 enhancer GRCh37_chr10:50679962-50681161; plus strand). Cytogenetic location: 10q11.23.
Variant type: single nucleotide variant.
Coding change: c.2894C>T on transcript NM_000124.4 (MANE Select); coding-DNA position 2894, C replaced by T.
Protein change: p.Ala965Val; replaces alanine 965 with valine.
Molecular consequence: missense variant.
Genome position (GRCh38, 1-based): chr10:49,472,406, G>A on the plus strand (C>T on the coding strand, the complement: ERCC6 is on the minus strand). VCF-style: chr10-49472406-G-A. GRCh37 (hg19) VCF-style: chr10-50680452-G-A.
Other names: c.2894C>T, p.Ala965Val (NM_001346440.2); short protein forms A965V.
Identifiers: ClinVar variation 1012778 (VCV001012778.42), dbSNP rs754058694, ClinGen allele CA5495493.
Genomic context (GRCh38, chr10:49,472,406, plus strand): 5'-CAGCCAAGAGTGGCCACTGTGTGCACTGACCGGTGGTAGATCTTTTCTTCAATGGTGCCC[G>A]CAGTCAGGAGCCTGTACACAGTCACTTGCTTCTTCTGGCCTATTCTCCATGCTCGCTCCC-3'
Protein context (NP_000115.1, residues 955-975): KQVTVYRLLT[Ala965Val]GTIEEKIYHR